The following is an entry in ClinVar:

NM_000318.3(PEX2):c.733G>A (p.Ala245Thr)

Gene: PEX2 (peroxisomal biogenesis factor 2; minus strand). Cytogenetic location: 8q21.13.
Variant type: single nucleotide variant.
Coding change: c.733G>A on transcript NM_000318.3 (MANE Select); coding-DNA position 733, G replaced by A.
Protein change: p.Ala245Thr; replaces alanine 245 with threonine.
Molecular consequence: missense variant.
Genome position (GRCh38, 1-based): chr8:76,983,446, C>T on the plus strand (G>A on the coding strand, the complement: PEX2 is on the minus strand). VCF-style: chr8-76983446-C-T. GRCh37 (hg19) VCF-style: chr8-77895682-C-T.
Other names: p.Ala245Thr; c.733G>A, p.Ala245Thr (NM_001079867.2, NM_001172086.2, NM_001172087.2); short protein forms A245T.
Identifiers: ClinVar variation 255818 (VCV000255818.20), dbSNP rs112108739, ClinGen allele CA4788662.

ClinVar aggregate classification (germline): Benign. Review status: criteria provided, multiple submitters, no conflicts (2 of 4 stars). 7 submissions from 7 submitters: Benign (6). 1 of the submissions does not count toward it. Last evaluated 2026-02-04.

Conditions:
Zellweger spectrum disorders (ZS). Also called: Zellweger syndrome; Zellweger Spectrum Disorder (ZSD); Zellweger Spectrum Disorder; Zellweger Spectrum. Identifiers: Orphanet 912, MedGen C0043459, MONDO:0019609.
Peroxisome biogenesis disorder 5A (Zellweger) (PBD5A). Identifiers: Orphanet 912, MedGen C3553940, MONDO:0013932, OMIM 614866.

Allele frequency attached by ClinVar (database versions not stated): gnomAD 0.02536; TOPMed 0.02796; 1000 Genomes Project 0.02815; 1000 Genomes Project 30x 0.02998; ESP Exome Variant Server 0.03122.
gnomAD v4.1: 8,064 of 1,614,058 alleles (0.5%); highest among the groups gnomAD compares: African/African-American, 9.4%; 372 homozygotes.

Submissions (7):

Labcorp Genetics (formerly Invitae), Labcorp
Classification: Benign for Peroxisome biogenesis disorder 5A (Zellweger). Last evaluated: 2026-02-04. Review status: criteria provided, single submitter. Criteria: Invitae Variant Classification Sherloc (09022015). Collection method: clinical testing. Allele origin: germline.

GeneDx
Classification: Benign. Last evaluated: 2018-06-13. Review status: criteria provided, single submitter. Criteria: GeneDx Variant Classification (06012015). Collection method: clinical testing. Allele origin: germline. Affected: yes.
Comment: This variant is considered likely benign or benign based on one or more of the following criteria: it is a conservative change, it occurs at a poorly conserved position in the protein, it is predicted to be benign by multiple in silico algorithms, and/or has population frequency not consistent with disease.

Mayo Clinic Laboratories, Mayo Clinic
Classification: Benign. Last evaluated: 2018-05-25. Review status: criteria provided, single submitter. Criteria: ACMG Guidelines, 2015. Collection method: clinical testing. Allele origin: germline. Observed: 21 variant alleles.

Illumina Laboratory Services, Illumina
Classification: Benign for Peroxisome biogenesis disorder 5A (Zellweger). Last evaluated: 2018-01-13. Review status: criteria provided, single submitter. Criteria: ICSL Variant Classification Criteria 13 December 2019. Collection method: clinical testing. Allele origin: germline.
Comment: This variant was observed in the ICSL laboratory as part of a predisposition screen in an ostensibly healthy population. It had not been previously curated by ICSL or reported in the Human Gene Mutation Database (HGMD: prior to June 1st, 2018), and was therefore a candidate for classification through an automated scoring system. Utilizing variant allele frequency, disease prevalence and penetrance estimates, and inheritance mode, an automated score was calculated to assess if this variant is too frequent to cause the disease. Based on the score and internal cut-off values, a variant classified as benign is not then subjected to further curation. The score for this variant resulted in a classification of benign for this disease.

Breakthrough Genomics
Classification: Benign. Review status: criteria provided, single submitter. Criteria: ACMG Guidelines, 2015. Collection method: not provided. Allele origin: germline. Inheritance: Autosomal recessive inheritance. Affected: yes.

PreventionGenetics, part of Exact Sciences
Classification: Benign. Review status: criteria provided, single submitter. Criteria: ACMG Guidelines, 2015. Collection method: clinical testing. Allele origin: germline.

Natera, Inc.
Classification: Benign for Zellweger syndrome. Last evaluated: 2020-09-16. Review status: no assertion criteria provided. Collection method: clinical testing. Allele origin: germline. Not counted in ClinVar's aggregate classification.